The following is an entry in ClinVar:

NM_020949.3(SLC7A14):c.1246C>T (p.Leu416Phe)

Genes: SLC7A14 (solute carrier family 7 member 14; minus strand), SLC7A14-AS1 (SLC7A14 antisense RNA 1; plus strand). Cytogenetic location: 3q26.2.
Variant type: single nucleotide variant.
Coding change: c.1246C>T on transcript NM_020949.3 (MANE Select); coding-DNA position 1246, C replaced by T.
Protein change: p.Leu416Phe; replaces leucine 416 with phenylalanine.
Molecular consequence: missense variant.
Genome position (GRCh38, 1-based): chr3:170,481,036, G>A on the plus strand (C>T on the coding strand, the complement: SLC7A14 is on the minus strand). VCF-style: chr3-170481036-G-A. GRCh37 (hg19) VCF-style: chr3-170198825-G-A.
Other names: short protein forms L416F.
Identifiers: ClinVar variation 587502 (VCV000587502.10), dbSNP rs753129566, ClinGen allele CA2701655.

ClinVar aggregate classification (germline): Uncertain significance. Review status: criteria provided, multiple submitters, no conflicts (2 of 4 stars). 3 submissions from 3 submitters: Uncertain significance (2). 1 of the submissions does not count toward it. Last evaluated 2026-01-04.

Conditions:
Retinal dystrophy. Also called: Inherited retinal dystrophy. Identifiers: Orphanet 71862, MedGen C0854723, MeSH D058499, MONDO:0019118, HP:0000556.
Retinitis pigmentosa 68 (RP68). Identifiers: Orphanet 791, MedGen C3810380, MONDO:0014323, OMIM 615725.

Allele frequency attached by ClinVar (database versions not stated): gnomAD exomes 0.00005 and 0.00012; ExAC 0.00009; TOPMed 0.00015; gnomAD 0.00019 and 0.00021.
gnomAD v4.1: 109 of 1,613,958 alleles (0.0068%); highest among the groups gnomAD compares: Middle Eastern, 0.099%; no homozygotes.

Submissions (3):

Labcorp Genetics (formerly Invitae), Labcorp
Classification: Uncertain significance. Last evaluated: 2026-01-04. Review status: criteria provided, single submitter. Criteria: Invitae Variant Classification Sherloc (09022015). Collection method: clinical testing. Allele origin: germline.
Comment: This sequence change replaces leucine, which is neutral and non-polar, with phenylalanine, which is neutral and non-polar, at codon 416 of the SLC7A14 protein (p.Leu416Phe). This variant is present in population databases (rs753129566, gnomAD 0.1%), and has an allele count higher than expected for a pathogenic variant. This variant has not been reported in the literature in individuals affected with SLC7A14-related conditions. ClinVar contains an entry for this variant (Variation ID: 587502). An algorithm developed to predict the effect of missense changes on protein structure and function (PolyPhen-2) suggests that this variant is likely to be disruptive. In summary, the available evidence is currently insufficient to determine the role of this variant in disease. Therefore, it has been classified as a Variant of Uncertain Significance.

Genomic Research Center, Shahid Beheshti University of Medical Sciences
Classification: Uncertain significance for Retinitis pigmentosa 68. Last evaluated: 2018-08-07. Review status: criteria provided, single submitter. Criteria: ACMG Guidelines, 2015. Collection method: clinical testing. Allele origin: inherited. Affected: no. Observed: 1 variant allele.

Institute of Human Genetics, Univ. Regensburg, Univ. Regensburg
Classification: Uncertain significance for Retinal dystrophy. Last evaluated: 2023-01-01. Review status: no assertion criteria provided. Criteria: ACMG Guidelines, 2015. Collection method: clinical testing. Allele origin: germline. Affected: yes. Not counted in ClinVar's aggregate classification.